The following is an entry in ClinVar:

NM_000217.3(KCNA1):c.1442C>T (p.Ala481Val)

Gene: KCNA1 (potassium voltage-gated channel subfamily A member 1; plus strand). Cytogenetic location: 12p13.32.
Variant type: single nucleotide variant.
Coding change: c.1442C>T on transcript NM_000217.3 (MANE Select); coding-DNA position 1442, C replaced by T.
Protein change: p.Ala481Val; replaces alanine 481 with valine.
Molecular consequence: missense variant.
Genome position (GRCh38, 1-based): chr12:4,912,820, C>T. VCF-style: chr12-4912820-C-T. GRCh37 (hg19) VCF-style: chr12-5021986-C-T.
Other names: short protein forms A481V.
Identifiers: ClinVar variation 1052029 (VCV001052029.9), dbSNP rs1430294104, ClinGen allele CA383456794.

ClinVar aggregate classification (germline): Uncertain significance (1 of 4 stars; one submission).

Conditions:
Episodic ataxia type 1 (EA1). Also called: PAROXYSMAL ATAXIA WITH NEUROMYOTONIA, HEREDITARY; MYOKYMIA WITH PERIODIC ATAXIA; Episodic ataxia/myokymia syndrome; ATAXIA, EPISODIC, WITH MYOKYMIA. Identifiers: Orphanet 37612, Orphanet 972, MedGen C1719788, MONDO:0008047, OMIM 160120.

Allele frequency attached by ClinVar (database versions not stated): gnomAD exomes below 0.00001.
gnomAD v4.1: 2 of 1,613,970 alleles (0.00012%); highest among the groups gnomAD compares: Admixed American, 0.0017%; no homozygotes.

Submission:

Labcorp Genetics (formerly Invitae), Labcorp
Classification: Uncertain significance for Episodic ataxia type 1. Last evaluated: 2025-07-09. Review status: criteria provided, single submitter. Criteria: Invitae Variant Classification Sherloc (09022015). Collection method: clinical testing. Allele origin: germline.
Comment: This sequence change replaces alanine, which is neutral and non-polar, with valine, which is neutral and non-polar, at codon 481 of the KCNA1 protein (p.Ala481Val). This variant is present in population databases (no rsID available, gnomAD 0.003%). This variant has not been reported in the literature in individuals affected with KCNA1-related conditions. ClinVar contains an entry for this variant (Variation ID: 1052029). Invitae Evidence Modeling of protein sequence and biophysical properties (such as structural, functional, and spatial information, amino acid conservation, physicochemical variation, residue mobility, and thermodynamic stability) indicates that this missense variant is not expected to disrupt KCNA1 protein function with a negative predictive value of 80%. In summary, the available evidence is currently insufficient to determine the role of this variant in disease. Therefore, it has been classified as a Variant of Uncertain Significance.